The following is an entry in ClinVar:

NM_001378120.1(MBD5):c.3572del (p.Thr1190_Leu1191insTer)

Gene: MBD5 (methyl-CpG binding domain protein 5; plus strand). Cytogenetic location: 2q23.1.
Variant type: Deletion.
Coding change: c.3572del on transcript NM_001378120.1 (MANE Select); coding-DNA position 3572, one base deleted (T; older notation c.3572delT).
Protein change: p.Thr1190_Leu1191insTer.
Molecular consequence: nonsense.
Genome position (GRCh38, 1-based): chr2:148,485,769, T deleted; the last of 3 consecutive T bases (chr2:148,485,767-148,485,769); deleting any one gives the same sequence. VCF-style (leftmost placement, unchanged base first): chr2-148485766-CT-C. GRCh37 (hg19) VCF-style: chr2-149243335-CT-C.
Other names: c.2873del, p.Thr957_Leu958insTer (NM_018328.5).
Identifiers: ClinVar variation 1455491 (VCV001455491.6), dbSNP rs2105093302, ClinGen allele CA2573133301.

ClinVar aggregate classification (germline): Pathogenic (1 of 4 stars; one submission).

Conditions:
Intellectual developmental disorder, autosomal dominant 1. Also called: Intellectual disability, autosomal dominant 1; MBD5 Haploinsufficiency. Identifiers: Orphanet 228402, MedGen C1969562, MONDO:0007974, OMIM 156200.

Submission:

Labcorp Genetics (formerly Invitae), Labcorp
Classification: Pathogenic for Intellectual developmental disorder, autosomal dominant 1. Last evaluated: 2022-09-01. Review status: criteria provided, single submitter. Criteria: Invitae Variant Classification Sherloc (09022015). Collection method: clinical testing. Allele origin: germline.
Comment: ClinVar contains an entry for this variant (Variation ID: 1455491). For these reasons, this variant has been classified as Pathogenic. This variant has not been reported in the literature in individuals affected with MBD5-related conditions. This variant is not present in population databases (gnomAD no frequency). This sequence change creates a premature translational stop signal (p.Leu958*) in the MBD5 gene. It is expected to result in an absent or disrupted protein product. Loss-of-function variants in MBD5 are known to be pathogenic (PMID: 23422940, 23587880).

Literature cited by the submitters: PubMed 23422940; PubMed 23587880.